The following is an entry in ClinVar:

ClinVar aggregate classification (germline): Uncertain significance. Review status: criteria provided, multiple submitters, no conflicts (2 of 4 stars). 2 submissions from 2 submitters: Uncertain significance (2). Last evaluated 2024-08-22.

Conditions:
Tuberous sclerosis 1 (TSC1). Identifiers: Orphanet 805, MedGen C1854465, MONDO:0008612, OMIM 191100.

Submissions (2):

Quest Diagnostics Nichols Institute San Juan Capistrano
Classification: Uncertain significance. Last evaluated: 2024-08-22. Review status: criteria provided, single submitter. Criteria: Quest Diagnostics criteria. Collection method: clinical testing. Allele origin: unknown.
Comment: The TSC1 c.2147A>G (p.Asn716Ser) variant has not been reported in individuals with TSC1-related conditions in the published literature. It also has not been reported in large, multi-ethnic general populations (Genome Aggregation Database). Analysis of this variant using bioinformatics tools for the prediction of the effect of amino acid changes on protein structure and function yielded conflicting predictions that this variant is benign or damaging. Based on the available information, we are unable to determine the clinical significance of this variant.

Labcorp Genetics (formerly Invitae), Labcorp
Classification: Uncertain significance for Tuberous sclerosis 1. Last evaluated: 2022-11-08. Review status: criteria provided, single submitter. Criteria: Invitae Variant Classification Sherloc (09022015). Collection method: clinical testing. Allele origin: germline.
Comment: Advanced modeling of protein sequence and biophysical properties (such as structural, functional, and spatial information, amino acid conservation, physicochemical variation, residue mobility, and thermodynamic stability) performed at Invitae indicates that this missense variant is not expected to disrupt TSC1 protein function. ClinVar contains an entry for this variant (Variation ID: 1464928). This variant has not been reported in the literature in individuals affected with TSC1-related conditions. This variant is not present in population databases (gnomAD no frequency). This sequence change replaces asparagine, which is neutral and polar, with serine, which is neutral and polar, at codon 716 of the TSC1 protein (p.Asn716Ser). In summary, the available evidence is currently insufficient to determine the role of this variant in disease. Therefore, it has been classified as a Variant of Uncertain Significance.

NM_000368.5(TSC1):c.2147A>G (p.Asn716Ser)

Gene: TSC1 (TSC complex subunit 1; minus strand). Cytogenetic location: 9q34.13.
Variant type: single nucleotide variant.
Coding change: c.2147A>G on transcript NM_000368.5 (MANE Select); coding-DNA position 2147, A replaced by G.
Protein change: p.Asn716Ser; replaces asparagine 716 with serine.
Molecular consequence: missense variant.
Genome position (GRCh38, 1-based): chr9:132,903,712, T>C on the plus strand (A>G on the coding strand, the complement: TSC1 is on the minus strand). VCF-style: chr9-132903712-T-C. GRCh37 (hg19) VCF-style: chr9-135779099-T-C.
Other names: c.2147A>G (NM_000368.4); c.2144A>G, p.Asn715Ser (NM_001162426.2); c.1994A>G, p.Asn665Ser (NM_001162427.2); c.1784A>G, p.Asn595Ser (NM_001362177.2); short protein forms N595S, N665S, N715S, N716S.
Identifiers: ClinVar variation 1464928 (VCV001464928.9), dbSNP rs2131763158, ClinGen allele CA375360883.